The following is an entry in ClinVar:

NM_001378778.1(MPDZ):c.1855T>A (p.Leu619Ile)

Gene: MPDZ (multiple PDZ domain crumbs cell polarity complex component; minus strand). Cytogenetic location: 9p23.
Variant type: single nucleotide variant.
Coding change: c.1855T>A on transcript NM_001378778.1 (MANE Select); coding-DNA position 1855, T replaced by A.
Protein change: p.Leu619Ile; replaces leucine 619 with isoleucine.
Molecular consequence: missense variant.
Genome position (GRCh38, 1-based): chr9:13,192,244, A>T on the plus strand (T>A on the coding strand, the complement: MPDZ is on the minus strand). VCF-style: chr9-13192244-A-T. GRCh37 (hg19) VCF-style: chr9-13192243-A-T.
Other names: c.1855T>A, p.Leu619Ile (NM_001261406.2, NM_001261407.2, NM_001330637.2 and 14 more transcripts); c.1855T>A (NM_003829.3); short protein forms L619I.
Identifiers: ClinVar variation 1461105 (VCV001461105.10), dbSNP rs192989424, ClinGen allele CA4987644.

ClinVar aggregate classification (germline): Uncertain significance. Review status: criteria provided, multiple submitters, no conflicts (2 of 4 stars). 2 submissions from 2 submitters: Uncertain significance (2). Last evaluated 2023-02-16.

Conditions:
Inborn genetic diseases. Identifiers: MedGen C0950123, MeSH D030342.

Allele frequency attached by ClinVar (database versions not stated): TOPMed 0.00002; gnomAD 0.00004 and 0.00005; gnomAD exomes 0.00012 and 0.00014; 1000 Genomes Project 0.00020; ExAC 0.00034; 1000 Genomes Project 30x 0.00047.
gnomAD v4.1: 86 of 1,606,078 alleles (0.0054%); highest among the groups gnomAD compares: Non-Finnish European, 0.005%; no homozygotes.

Submissions (2):

Ambry Genetics
Classification: Uncertain significance for Inborn genetic diseases. Last evaluated: 2023-02-16. Review status: criteria provided, single submitter. Criteria: Ambry Variant Classification Scheme 2023. Collection method: clinical testing. Allele origin: germline.

Labcorp Genetics (formerly Invitae), Labcorp
Classification: Uncertain significance. Last evaluated: 2022-07-11. Review status: criteria provided, single submitter. Criteria: Invitae Variant Classification Sherloc (09022015). Collection method: clinical testing. Allele origin: germline.
Comment: This variant is present in population databases (rs192989424, gnomAD 0.02%). In summary, the available evidence is currently insufficient to determine the role of this variant in disease. Therefore, it has been classified as a Variant of Uncertain Significance. Algorithms developed to predict the effect of missense changes on protein structure and function are either unavailable or do not agree on the potential impact of this missense change (SIFT: "Deleterious"; PolyPhen-2: "Probably Damaging"; Align-GVGD: "Class C0"). ClinVar contains an entry for this variant (Variation ID: 1461105). This variant has not been reported in the literature in individuals affected with MPDZ-related conditions. This sequence change replaces leucine, which is neutral and non-polar, with isoleucine, which is neutral and non-polar, at codon 619 of the MPDZ protein (p.Leu619Ile).